The following is an entry in ClinVar:

NC_000015.9:g.(?_42652004)_(42703563_?)del

Gene: CAPN3 (calpain 3; plus strand). Cytogenetic location: 15q15.1.
Variant type: Deletion.
Identifiers: ClinVar variation 1460116 (VCV001460116.7).

ClinVar aggregate classification (germline): Pathogenic (1 of 4 stars; one submission).

Conditions:
Autosomal recessive limb-girdle muscular dystrophy type 2A (LGMDR1). Also called: Calpainopathy; LEYDEN-MOEBIUS MUSCULAR DYSTROPHY; MUSCULAR DYSTROPHY, PELVOFEMORAL; Limb-girdle muscular dystrophy, type 2A; Muscular dystrophy, limb-girdle, type 2A, Amish. Identifiers: Orphanet 267, MedGen C1869123, MONDO:0009675, OMIM 253600. Disease mechanism: loss of function.

Submission:

Labcorp Genetics (formerly Invitae), Labcorp
Classification: Pathogenic for Autosomal recessive limb-girdle muscular dystrophy type 2A. Last evaluated: 2022-09-24. Review status: criteria provided, single submitter. Criteria: Invitae Variant Classification Sherloc (09022015). Collection method: clinical testing. Allele origin: germline.
Comment: For these reasons, this variant has been classified as Pathogenic. This variant has not been reported in the literature in individuals affected with CAPN3-related conditions. This variant is a gross deletion of the genomic region encompassing exon(s) 1-23 of the CAPN3 gene, which includes the initiator codon. This deletion extends beyond the assayed region for this gene and therefore may encompass additional genes. It is expected to result in an absent or disrupted protein product. Loss-of-function variants in CAPN3 are known to be pathogenic (PMID: 10330340, 15689361).

Literature cited by the submitters: PubMed 10330340; PubMed 15689361.